The following is an entry in ClinVar:

NM_001519.4(BRF1):c.471+81C>T

Gene: BRF1 (BRF1 general transcription factor IIIB subunit; minus strand). Cytogenetic location: 14q32.33.
Variant type: single nucleotide variant.
Coding change: c.471+81C>T on transcript NM_001519.4 (MANE Select); 81 bases into the intron after coding-DNA position 471, C replaced by T.
Molecular consequence: intron variant. On other transcripts: synonymous variant (1).
Genome position (GRCh38, 1-based): chr14:105,256,437, G>A on the plus strand (C>T on the coding strand, the complement: BRF1 is on the minus strand). VCF-style: chr14-105256437-G-A. GRCh37 (hg19) VCF-style: chr14-105722774-G-A.
Other names: c.552C>T, p.Tyr184= (NM_001242790.2); c.126+81C>T (NM_001440451.1, NM_001242787.2, NM_001242786.2); c.390+81C>T (NM_001242788.2); c.471+81C>T (NM_001440450.1, NM_001440449.1).
Identifiers: ClinVar variation 4820796 (VCV004820796.4).
Genomic context (GRCh38, chr14:105,256,437, plus strand): 5'-AAACTTCCTGACTGGGCAGGCAGCACAGACCGGCCACTGAGATGCGTGGAGGCACCTGGG[G>A]TACACCCCGGTCACAACCCTGGTCACAACCCCCAGGTCACAACCCCAGGTGGGGAAAGAT-3'

ClinVar aggregate classification (germline): Likely benign (1 of 4 stars; one submission).

gnomAD v4.1: 498 of 1,613,758 alleles (0.031%); highest among the groups gnomAD compares: East Asian, 0.95%; 4 homozygotes.

Submission:

CeGaT Center for Human Genetics Tuebingen
Classification: Likely benign. Last evaluated: 2026-07-01. Review status: criteria provided, single submitter. Criteria: CeGaT Center For Human Genetics Tuebingen Variant Classification Criteria Version 2. Collection method: clinical testing. Allele origin: germline. Affected: yes. Observed: 3 variant alleles.
Comment: BRF1: BP4, BP7